The following is an entry in ClinVar:

ClinVar aggregate classification (germline): Pathogenic (1 of 4 stars; one submission).

Conditions:
Rubinstein-Taybi syndrome due to EP300 haploinsufficiency. Also called: EP300-Related Rubinstein-Taybi Syndrome; RUBINSTEIN-TAYBI SYNDROME 2. Identifiers: Orphanet 353284, Orphanet 783, MedGen C3150941, MONDO:0013364, OMIM 613684.

Submission:

Labcorp Genetics (formerly Invitae), Labcorp
Classification: Pathogenic for Rubinstein-Taybi syndrome due to EP300 haploinsufficiency. Last evaluated: 2025-02-03. Review status: criteria provided, single submitter. Criteria: Invitae Variant Classification Sherloc (09022015). Collection method: clinical testing. Allele origin: germline.
Comment: This sequence change creates a premature translational stop signal (p.Gln2247Profs*55) in the EP300 gene. While this is not anticipated to result in nonsense mediated decay, it is expected to disrupt the last 168 amino acid(s) of the EP300 protein. This variant is not present in population databases (gnomAD no frequency). This variant has not been reported in the literature in individuals affected with EP300-related conditions. ClinVar contains an entry for this variant (Variation ID: 2030508). This variant disrupts a region of the EP300 protein in which other variant(s) (p.Pro2367Argfs*36) have been determined to be pathogenic (PMID: 17299436). This suggests that this is a clinically significant region of the protein, and that variants that disrupt it are likely to be disease-causing. For these reasons, this variant has been classified as Pathogenic.

Literature cited by the submitters: PubMed 17299436.

NM_001429.4(EP300):c.6739dup (p.Gln2247fs)

Gene: EP300 (EP300 lysine acetyltransferase; plus strand). Cytogenetic location: 22q13.2.
Variant type: Duplication.
Coding change: c.6739dup on transcript NM_001429.4 (MANE Select); coding-DNA position 6739, one base duplicated (C; older notation c.6739dupC).
Protein change: p.Gln2247fs; shifts the reading frame from glutamine 2247.
Molecular consequence: frameshift variant.
Genome position (GRCh38, 1-based): chr22:41,178,450, C duplicated; the last of 4 consecutive C bases (chr22:41,178,447-41,178,450); duplicating any one gives the same sequence. VCF-style (leftmost placement, unchanged base first): chr22-41178446-T-TC. GRCh37 (hg19) VCF-style: chr22-41574450-T-TC.
Other names: c.6661dup, p.Gln2221fs (NM_001362843.2); short protein forms Q2247fs, Q2221fs.
Identifiers: ClinVar variation 2030508 (VCV002030508.4), dbSNP rs2145522089, ClinGen allele CA2580099838.
Genomic context (GRCh38, chr22:41,178,446, plus strand): 5'-GCGGATGCAGCATCACATGCAACAGATGCAACAAGGAAATATGGGACAGATAGGCCAGCT[T>TC]CCCCAGGCCTTGGGAGCAGAGGCAGGTGCCAGTCTACAGGCCTATCAGCAGCGACTCCTT-3'